The following is an entry in ClinVar:

NM_004370.6(COL12A1):c.3100G>A (p.Gly1034Arg)

Gene: COL12A1 (collagen type XII alpha 1 chain; minus strand). Cytogenetic location: 6q13.
Variant type: single nucleotide variant.
Coding change: c.3100G>A on transcript NM_004370.6 (MANE Select); coding-DNA position 3100, G replaced by A.
Protein change: p.Gly1034Arg; replaces glycine 1034 with arginine.
Molecular consequence: missense variant. On other transcripts: intron variant (1).
Genome position (GRCh38, 1-based): chr6:75,156,407, C>T on the plus strand (G>A on the coding strand, the complement: COL12A1 is on the minus strand). VCF-style: chr6-75156407-C-T. GRCh37 (hg19) VCF-style: chr6-75866123-C-T.
Other names: c.74-3925G>A (NM_080645.3); short protein forms G1034R.
Identifiers: ClinVar variation 1051580 (VCV001051580.9), dbSNP rs2149424441, ClinGen allele CA364754169.

ClinVar aggregate classification (germline): Uncertain significance (1 of 4 stars; one submission).

Conditions:
Ullrich congenital muscular dystrophy 2 (UCMD2). Identifiers: Orphanet 75840, MedGen C4225314, MONDO:0014654, OMIM 616470.
Bethlem myopathy 2 (BTHLM2). Identifiers: Orphanet 536516, Orphanet 610, MedGen C4225313, MONDO:0034022, OMIM 616471.

Submission:

Labcorp Genetics (formerly Invitae), Labcorp
Classification: Uncertain significance for Bethlem myopathy 2; Ullrich congenital muscular dystrophy 2. Last evaluated: 2022-08-23. Review status: criteria provided, single submitter. Criteria: Invitae Variant Classification Sherloc (09022015). Collection method: clinical testing. Allele origin: germline.
Comment: Algorithms developed to predict the effect of missense changes on protein structure and function output the following: SIFT: "Tolerated"; PolyPhen-2: "Benign"; Align-GVGD: "Class C0". The arginine amino acid residue is found in multiple mammalian species, which suggests that this missense change does not adversely affect protein function. ClinVar contains an entry for this variant (Variation ID: 1051580). This variant has not been reported in the literature in individuals affected with COL12A1-related conditions. This variant is not present in population databases (gnomAD no frequency). This sequence change replaces glycine, which is neutral and non-polar, with arginine, which is basic and polar, at codon 1034 of the COL12A1 protein (p.Gly1034Arg). Algorithms developed to predict the effect of sequence changes on RNA splicing suggest that this variant may create or strengthen a splice site. In summary, the available evidence is currently insufficient to determine the role of this variant in disease. Therefore, it has been classified as a Variant of Uncertain Significance.